The following is an entry in ClinVar:

ClinVar aggregate classification (germline): Uncertain significance (1 of 4 stars; one submission).

Conditions:
Baller-Gerold syndrome (BGS). Also called: CRANIOSYNOSTOSIS WITH RADIAL DEFECTS. Identifiers: Orphanet 1225, MedGen C0265308, MONDO:0009039, OMIM 218600.

Allele frequency attached by ClinVar (database versions not stated): gnomAD exomes 0.00001; ExAC 0.00002.

Submission:

Labcorp Genetics (formerly Invitae), Labcorp
Classification: Uncertain significance for Baller-Gerold syndrome. Last evaluated: 2024-10-09. Review status: criteria provided, single submitter. Criteria: Invitae Variant Classification Sherloc (09022015). Collection method: clinical testing. Allele origin: germline.
Comment: This sequence change falls in intron 17 of the RECQL4 gene. It does not directly change the encoded amino acid sequence of the RECQL4 protein. It affects a nucleotide within the consensus splice site. This variant is present in population databases (rs772320981, gnomAD 0.007%). This variant has not been reported in the literature in individuals affected with RECQL4-related conditions. ClinVar contains an entry for this variant (Variation ID: 577993). Variants that disrupt the consensus splice site are a relatively common cause of aberrant splicing (PMID: 17576681, 9536098). Algorithms developed to predict the effect of sequence changes on RNA splicing suggest that this variant is not likely to affect RNA splicing. In summary, the available evidence is currently insufficient to determine the role of this variant in disease. Therefore, it has been classified as a Variant of Uncertain Significance.

Literature cited by the submitters: PubMed 17576681; PubMed 9536098.

NM_004260.4(RECQL4):c.3055+4C>T

Gene: RECQL4 (RecQ like helicase 4; minus strand). Cytogenetic location: 8q24.3.
Variant type: single nucleotide variant.
Coding change: c.3055+4C>T on transcript NM_004260.4 (MANE Select); 4 bases into the intron after coding-DNA position 3055, C replaced by T.
Molecular consequence: intron variant.
Genome position (GRCh38, 1-based): chr8:144,512,388, G>A on the plus strand (C>T on the coding strand, the complement: RECQL4 is on the minus strand). VCF-style: chr8-144512388-G-A. GRCh37 (hg19) VCF-style: chr8-145737771-G-A.
Identifiers: ClinVar variation 577993 (VCV000577993.7), dbSNP rs772320981, ClinGen allele CA4947962.